The following is an entry in ClinVar:

NM_006739.4(MCM5):c.116T>G (p.Leu39Arg)

Gene: MCM5 (minichromosome maintenance complex component 5; plus strand). Cytogenetic location: 22q12.3.
Variant type: single nucleotide variant.
Coding change: c.116T>G on transcript NM_006739.4 (MANE Select); coding-DNA position 116, T replaced by G.
Protein change: p.Leu39Arg; replaces leucine 39 with arginine.
Molecular consequence: missense variant.
Genome position (GRCh38, 1-based): chr22:35,400,554, T>G. VCF-style: chr22-35400554-T-G. GRCh37 (hg19) VCF-style: chr22-35796547-T-G.
Other names: short protein forms L39R.
Identifiers: ClinVar variation 1720704 (VCV001720704.5), dbSNP rs1932012110, ClinGen allele CA411356647.

ClinVar aggregate classification (germline): Uncertain significance (1 of 4 stars; one submission).

Submission:

Labcorp Genetics (formerly Invitae), Labcorp
Classification: Uncertain significance. Last evaluated: 2022-09-30. Review status: criteria provided, single submitter. Criteria: Invitae Variant Classification Sherloc (09022015). Collection method: clinical testing. Allele origin: germline.
Comment: In summary, the available evidence is currently insufficient to determine the role of this variant in disease. Therefore, it has been classified as a Variant of Uncertain Significance. Advanced modeling of protein sequence and biophysical properties (such as structural, functional, and spatial information, amino acid conservation, physicochemical variation, residue mobility, and thermodynamic stability) performed at Invitae indicates that this missense variant is expected to disrupt MCM5 protein function. This variant has not been reported in the literature in individuals affected with MCM5-related conditions. This variant is not present in population databases (gnomAD no frequency). This sequence change replaces leucine, which is neutral and non-polar, with arginine, which is basic and polar, at codon 39 of the MCM5 protein (p.Leu39Arg).